The following is an entry in ClinVar:

NM_000053.4(ATP7B):c.3060+2T>C

Gene: ATP7B (ATPase copper transporting beta; minus strand). Cytogenetic location: 13q14.3.
Variant type: single nucleotide variant.
Coding change: c.3060+2T>C on transcript NM_000053.4 (MANE Select); the canonical splice donor site of the intron after coding-DNA position 3060, T replaced by C.
Molecular consequence: splice donor variant. On other transcripts: intron variant (6).
Genome position (GRCh38, 1-based): chr13:51,946,282, A>G on the plus strand (T>C on the coding strand, the complement: ATP7B is on the minus strand). VCF-style: chr13-51946282-A-G. GRCh37 (hg19) VCF-style: chr13-52520418-A-G.
Other names: c.2574+2T>C (NM_001406541.1, NM_001406542.1); c.2808+2T>C (NM_001406531.1, NM_001406532.1, NM_001330579.2); c.2826+2T>C (NM_001406527.1, NM_001406528.1, NM_001406538.1 and 1 more transcripts); c.2722-1991T>C (NM_001406537.1); c.2916+2T>C (NM_001406521.1, NM_001406522.1, NM_001406520.1); c.3060+2T>C (NM_001406513.1, NM_001406511.1, NM_001406526.1 and 2 more transcripts); c.2964+2T>C (NM_001406518.1, NM_001406517.1); c.2631+2T>C (NM_001406539.1); and 18 more.
Identifiers: ClinVar variation 1701223 (VCV001701223.32), dbSNP rs2139045834, ClinGen allele CA388031687.
Genomic context (GRCh38, chr13:51,946,282, plus strand): 5'-GAAATAGTAAACAGATACTACTTTCATCTCTCAGGATGGGGAAAGCCGTGCTACAGGCTG[A>G]CCTTGTGCGCCATCTCCAGGGGCTTGCCTCCCTTGATGAGGATGCCGTTCTGCGCGGCCA-3'

ClinVar aggregate classification (germline): Pathogenic/Likely pathogenic. Review status: criteria provided, multiple submitters, no conflicts (2 of 4 stars). 2 submissions from 2 submitters: Pathogenic (1); Likely pathogenic (1). Last evaluated 2024-05-24.

Conditions:
Wilson disease (WND). Also called: Wilson's disease. Identifiers: Orphanet 905, MedGen C0019202, MONDO:0010200, OMIM 277900. Disease mechanism: loss of function.

Submissions (2):

Fulgent Genetics
Classification: Likely pathogenic for Wilson disease. Last evaluated: 2024-05-24. Review status: criteria provided, single submitter. Criteria: ACMG Guidelines, 2015. Collection method: clinical testing. Allele origin: germline.

CeGaT Center for Human Genetics Tuebingen
Classification: Pathogenic. Last evaluated: 2022-07-01. Review status: criteria provided, single submitter. Criteria: CeGaT Center For Human Genetics Tuebingen Variant Classification Criteria Version 2. Collection method: clinical testing. Allele origin: germline. Affected: yes. Observed: 1 variant allele.
Comment: ATP7B: PVS1, PM2, PM3